The following is an entry in ClinVar:

NM_000075.4(CDK4):c.653_654del (p.Asn217_Ser218insTer)

Genes: CDK4 (cyclin dependent kinase 4; minus strand), TSPAN31 (tetraspanin 31; plus strand). Cytogenetic location: 12q14.1.
Variant type: Microsatellite.
Coding change: c.653_654del on transcript NM_000075.4 (MANE Select); coding-DNA positions 653 to 654, 2 bases deleted (CT; older notation c.653_654delCT).
Protein change: p.Asn217_Ser218insTer.
Molecular consequence: nonsense. On other transcripts: 3 prime UTR variant (3).
Genome position (GRCh38, 1-based): chr12:57,749,483-57,749,484, AG deleted on the plus strand (CT on the coding strand, the reverse complement: CDK4 is on the minus strand); deleting any 2 consecutive bases within chr12:57,749,483-57,749,486 gives the same sequence; the c. name uses the placement nearest the transcript's 3' end. VCF-style (leftmost placement, unchanged base first): chr12-57749482-CAG-C. GRCh37 (hg19) VCF-style: chr12-58143265-CAG-C.
Other names: c.*2193AG[1] (NM_001330168.2, NM_001330169.2, NM_005981.5).
Identifiers: ClinVar variation 1754077 (VCV001754077.2), dbSNP rs2540897336, ClinGen allele CA2580616824.

ClinVar aggregate classification (germline): Uncertain significance (1 of 4 stars; one submission).

Conditions:
Hereditary cancer-predisposing syndrome. Also called: Neoplastic Syndromes, Hereditary; Tumor predisposition; Hereditary Cancer Syndrome; Hereditary neoplastic syndrome. Identifiers: Orphanet 140162, MedGen C0027672, MeSH D009386, MONDO:0015356.

Submission:

Ambry Genetics
Classification: Uncertain significance for Hereditary cancer-predisposing syndrome. Last evaluated: 2022-06-03. Review status: criteria provided, single submitter. Criteria: Ambry Variant Classification Scheme 2023. Collection method: clinical testing. Allele origin: germline.
Comment: The c.653_654delCT variant, located in coding exon 5 of the CDK4 gene, results from a deletion of two nucleotides at nucleotide positions 653 to 654, causing a translational frameshift with a predicted alternate stop codon (p.S218*). This alteration is expected to result in premature protein truncation or nonsense-mediated mRNA decay. However, loss of function of CDK4 has not been clearly established as a mechanism of disease. Since supporting evidence is limited at this time, the clinical significance of this alteration remains unclear.